The following is an entry in ClinVar:

NM_000143.4(FH):c.303A>C (p.Arg101=)

Gene: FH (fumarate hydratase; minus strand). Cytogenetic location: 1q43.
Variant type: single nucleotide variant.
Coding change: c.303A>C on transcript NM_000143.4 (MANE Select); coding-DNA position 303, A replaced by C.
Protein change: p.Arg101=; no amino-acid change (arginine 101 retained).
Molecular consequence: synonymous variant.
Genome position (GRCh38, 1-based): chr1:241,513,678, T>G on the plus strand (A>C on the coding strand, the complement: FH is on the minus strand). VCF-style: chr1-241513678-T-G. GRCh37 (hg19) VCF-style: chr1-241676978-T-G.
Identifiers: ClinVar variation 2995963 (VCV002995963.5), dbSNP rs1660147251, ClinGen allele CA424076487.

ClinVar aggregate classification (germline): Benign/Likely benign. Review status: criteria provided, multiple submitters, no conflicts (2 of 4 stars). 3 submissions from 3 submitters: Benign (1); Likely benign (2). Last evaluated 2026-04-11.

Conditions:
Hereditary cancer-predisposing syndrome. Also called: Neoplastic Syndromes, Hereditary; Hereditary neoplastic syndrome; Tumor predisposition; Hereditary Cancer Syndrome. Identifiers: Orphanet 140162, MedGen C0027672, MeSH D009386, MONDO:0015356.
Hereditary leiomyomatosis and renal cell cancer. Also called: Familial leiomyomatosis; FH tumor predisposition syndrome; MULTIPLE CUTANEOUS AND UTERINE LEIOMYOMATA 1, WITH OR WITHOUT RENAL CELL CARCINOMA; LEIOMYOMA, MULTIPLE CUTANEOUS; Reed syndrome; Multiple cutaneous and uterine leiomyomatosis. Identifiers: Orphanet 523, MedGen C1708350, MONDO:0007888, OMIM 150800, HP:0007437. Disease mechanism: loss of function.

Allele frequency attached by ClinVar (database versions not stated): TOPMed below 0.00001.

Submissions (3):

Ambry Genetics
Classification: Likely benign for Hereditary cancer-predisposing syndrome. Last evaluated: 2026-04-11. Review status: criteria provided, single submitter. Criteria: Ambry Variant Classification Scheme 2023. Collection method: clinical testing. Allele origin: germline.

Labcorp Genetics (formerly Invitae), Labcorp
Classification: Likely benign. Last evaluated: 2025-05-22. Review status: criteria provided, single submitter. Criteria: Invitae Variant Classification Sherloc (09022015). Collection method: clinical testing. Allele origin: germline.

Myriad Genetics, Inc.
Classification: Benign for Hereditary leiomyomatosis and renal cell cancer. Last evaluated: 2024-10-17. Review status: criteria provided, single submitter. Criteria: Myriad Autosomal Dominant, Autosomal Recessive and X-Linked Classification Criteria (2023). Collection method: clinical testing. Allele origin: unknown.
Comment: This variant is considered benign. This variant is a silent/synonymous amino acid change and it is not expected to impact splicing.